The following is an entry in ClinVar:

NM_020435.4(GJC2):c.649_651del (p.Leu217del)

Gene: GJC2 (gap junction protein gamma 2; plus strand). Cytogenetic location: 1q42.13.
Variant type: Deletion.
Coding change: c.649_651del on transcript NM_020435.4 (MANE Select); coding-DNA positions 649 to 651, 3 bases deleted (CTG; older notation c.649_651delCTG).
Protein change: p.Leu217del; deletes leucine 217.
Molecular consequence: inframe deletion.
Genome position (GRCh38, 1-based): chr1:228,158,407-228,158,409, CTG deleted; deleting any 3 consecutive bases within chr1:228,158,406-228,158,409 gives the same sequence; the c. name uses the placement nearest the transcript's 3' end. VCF-style (leftmost placement, unchanged base first): chr1-228158405-AGCT-A. GRCh37 (hg19) VCF-style: chr1-228346106-AGCT-A.
Other names: short protein forms L217del.
Identifiers: ClinVar variation 1993154 (VCV001993154.4), dbSNP rs2527876838, ClinGen allele CA2580062266.

ClinVar aggregate classification (germline): Uncertain significance (1 of 4 stars; one submission).

Conditions:
Spastic paraplegia. Identifiers: MedGen C0037772, HP:0001258.

Submission:

Labcorp Genetics (formerly Invitae), Labcorp
Classification: Uncertain significance for Spastic paraplegia. Last evaluated: 2024-01-15. Review status: criteria provided, single submitter. Criteria: Invitae Variant Classification Sherloc (09022015). Collection method: clinical testing. Allele origin: germline.
Comment: This variant, c.649_651del, results in the deletion of 1 amino acid(s) of the GJC2 protein (p.Leu217del), but otherwise preserves the integrity of the reading frame. This variant is not present in population databases (gnomAD no frequency). This variant has not been reported in the literature in individuals affected with GJC2-related conditions. ClinVar contains an entry for this variant (Variation ID: 1993154). Experimental studies and prediction algorithms are not available or were not evaluated, and the functional significance of this variant is currently unknown. In summary, the available evidence is currently insufficient to determine the role of this variant in disease. Therefore, it has been classified as a Variant of Uncertain Significance.